The following is an entry in ClinVar:

NM_016180.5(SLC45A2):c.504T>A (p.Phe168Leu)

Gene: SLC45A2 (solute carrier family 45 member 2; minus strand). Cytogenetic location: 5p13.2.
Variant type: single nucleotide variant.
Coding change: c.504T>A on transcript NM_016180.5 (MANE Select); coding-DNA position 504, T replaced by A.
Protein change: p.Phe168Leu; replaces phenylalanine 168 with leucine.
Molecular consequence: missense variant.
Genome position (GRCh38, 1-based): chr5:33,982,294, A>T on the plus strand (T>A on the coding strand, the complement: SLC45A2 is on the minus strand). VCF-style: chr5-33982294-A-T. GRCh37 (hg19) VCF-style: chr5-33982399-A-T.
Other names: c.504T>A, p.Phe168Leu (NM_001012509.4, NM_001297417.4); short protein forms F168L.
Identifiers: ClinVar variation 2127626 (VCV002127626.4), dbSNP rs2478912028, ClinGen allele CA359396519.

ClinVar aggregate classification (germline): Uncertain significance (1 of 4 stars; one submission).

Submission:

Labcorp Genetics (formerly Invitae), Labcorp
Classification: Uncertain significance. Last evaluated: 2022-04-18. Review status: criteria provided, single submitter. Criteria: Invitae Variant Classification Sherloc (09022015). Collection method: clinical testing. Allele origin: germline.
Comment: This sequence change replaces phenylalanine, which is neutral and non-polar, with leucine, which is neutral and non-polar, at codon 168 of the SLC45A2 protein (p.Phe168Leu). This variant is not present in population databases (gnomAD no frequency). This variant has not been reported in the literature in individuals affected with SLC45A2-related conditions. Algorithms developed to predict the effect of missense changes on protein structure and function (SIFT, PolyPhen-2, Align-GVGD) all suggest that this variant is likely to be tolerated. In summary, the available evidence is currently insufficient to determine the role of this variant in disease. Therefore, it has been classified as a Variant of Uncertain Significance.